The following is an entry in ClinVar:

ClinVar aggregate classification (germline): Likely benign. Review status: criteria provided, single submitter (1 of 4 stars). 2 submissions from 2 submitters: Likely benign (1). 1 of the submissions does not count toward it. Last evaluated 2018-06-05.

Conditions:
SCN7A-related disorder. Also called: SCN7A-related condition.

Allele frequency attached by ClinVar (database versions not stated): gnomAD exomes 0.00013; ExAC 0.00020; ESP Exome Variant Server 0.00049; gnomAD 0.00052 and 0.00060; TOPMed 0.00069; 1000 Genomes Project 0.00100; 1000 Genomes Project 30x 0.00109.
gnomAD v4.1: 194 of 1,611,502 alleles (0.012%); highest among the groups gnomAD compares: African/African-American, 0.23%; 1 homozygote.

Submissions (2):

Labcorp Genetics (formerly Invitae), Labcorp
Classification: Likely benign. Last evaluated: 2018-06-05. Review status: criteria provided, single submitter. Criteria: Invitae Variant Classification Sherloc (09022015). Collection method: clinical testing. Allele origin: germline.

PreventionGenetics, part of Exact Sciences
Classification: Likely benign for SCN7A-related condition. Last evaluated: 2021-09-17. Review status: no assertion criteria provided. Collection method: clinical testing. Allele origin: germline. Not counted in ClinVar's aggregate classification.
Comment: This variant is classified as likely benign based on ACMG/AMP sequence variant interpretation guidelines (Richards et al. 2015 PMID: 25741868, with internal and published modifications).

NM_002976.4(SCN7A):c.2562G>A (p.Gln854=)

Gene: SCN7A (sodium voltage-gated channel alpha subunit 7; minus strand). Cytogenetic location: 2q24.3.
Variant type: single nucleotide variant.
Coding change: c.2562G>A on transcript NM_002976.4 (MANE Select); coding-DNA position 2562, G replaced by A.
Protein change: p.Gln854=; no amino-acid change (glutamine 854 retained).
Molecular consequence: synonymous variant. On other transcripts: non-coding transcript variant (1).
Genome position (GRCh38, 1-based): chr2:166,432,348, C>T on the plus strand (G>A on the coding strand, the complement: SCN7A is on the minus strand). VCF-style: chr2-166432348-C-T. GRCh37 (hg19) VCF-style: chr2-167288858-C-T.
Identifiers: ClinVar variation 748816 (VCV000748816.5), dbSNP rs180844882, ClinGen allele CA1945432.
Genomic context (GRCh38, chr2:166,432,348, plus strand): 5'-CTAAGCAATCAGGATATTTAAACATCTTACCTCTTTGCTGCCTCCATCACCAGACTTACT[C>T]TGAATCTCCTTATTATCCAGATTTTCTATATCAGATTCTCCTGAAGCAATTGGTACAGTT-3'
Protein context (NP_002967.2, residues 844-864): DIENLDNKEI[Gln854=]SKSGDGGSKE